The following is an entry in ClinVar:

NM_004725.4(BUB3):c.689A>G (p.Asn230Ser)

Gene: BUB3 (BUB3 mitotic checkpoint protein; plus strand). Cytogenetic location: 10q26.13.
Variant type: single nucleotide variant.
Coding change: c.689A>G on transcript NM_004725.4 (MANE Select); coding-DNA position 689, A replaced by G.
Protein change: p.Asn230Ser; replaces asparagine 230 with serine.
Molecular consequence: missense variant.
Genome position (GRCh38, 1-based): chr10:123,162,348, A>G. VCF-style: chr10-123162348-A-G. GRCh37 (hg19) VCF-style: chr10-124921864-A-G.
Other names: c.689A>G, p.Asn230Ser (NM_001007793.3); short protein forms N230S.
Identifiers: ClinVar variation 1756021 (VCV001756021.3), dbSNP rs781479559, ClinGen allele CA5731639.

ClinVar aggregate classification (germline): Uncertain significance (1 of 4 stars; one submission).

Allele frequency attached by ClinVar (database versions not stated): ExAC 0.00001; gnomAD exomes below 0.00001.
gnomAD v4.1: 5 of 1,614,196 alleles (0.00031%); highest among the groups gnomAD compares: Non-Finnish European, 0.00042%; no homozygotes.

Submission:

Ambry Genetics
Classification: Uncertain significance. Last evaluated: 2024-09-01. Review status: criteria provided, single submitter. Criteria: Ambry Variant Classification Scheme 2023. Collection method: clinical testing. Allele origin: germline.
Comment: The p.N230S variant (also known as c.689A>G), located in coding exon 5 of the BUB3 gene, results from an A to G substitution at nucleotide position 689. The asparagine at codon 230 is replaced by serine, an amino acid with highly similar properties. This amino acid position is conserved. In addition, this alteration is predicted to be tolerated by in silico analysis. Since supporting evidence is limited at this time, the clinical significance of this alteration remains unclear.